The following is an entry in ClinVar:

NM_198334.3(GANAB):c.2443C>T (p.Arg815Ter)

Gene: GANAB (glucosidase II alpha subunit; minus strand). Cytogenetic location: 11q12.3.
Variant type: single nucleotide variant.
Coding change: c.2443C>T on transcript NM_198334.3 (MANE Select); coding-DNA position 2443, C replaced by T.
Protein change: p.Arg815Ter; replaces arginine 815 with a stop codon.
Molecular consequence: nonsense.
Genome position (GRCh38, 1-based): chr11:62,626,639, G>A on the plus strand (C>T on the coding strand, the complement: GANAB is on the minus strand). VCF-style: chr11-62626639-G-A. GRCh37 (hg19) VCF-style: chr11-62394111-G-A.
Other names: c.2152C>T, p.Arg718Ter (NM_001278194.2, NM_001329222.2, NM_001329223.2); c.1720C>T, p.Arg574Ter (NM_001329224.2, NM_001329225.2); c.2509C>T, p.Arg837Ter (NM_198335.4); c.2167C>T, p.Arg723Ter (NM_001278192.2); c.2101C>T, p.Arg701Ter (NM_001278193.2); short protein forms R837*, R574*, R723*, R701*, R815*, R718*.
Identifiers: ClinVar variation 590351 (VCV000590351.9), dbSNP rs1565088616, ClinGen allele CA380987455.
Genomic context (GRCh38, chr11:62,626,639, plus strand): 5'-TAAGTGCAACAAAGAGAGTGATGGGGTCATCCTTCATACATTCTGAAGACCGCCGCACTC[G>A]CATCCATCGAGGCACGATTGTCCCTCCACGCTGGAACACAGGGATCTAGGGCAAGAGCAA-3'

ClinVar aggregate classification (germline): Pathogenic/Likely pathogenic. Review status: criteria provided, multiple submitters, no conflicts (2 of 4 stars). 5 submissions from 5 submitters: Pathogenic (3); Likely pathogenic (1). 1 of the submissions does not count toward it. Last evaluated 2026-02-08.

Conditions:
Autosomal dominant polycystic liver disease. Also called: Congenital cystic disease of liver; Polycystic liver disease. Identifiers: Orphanet 2924, MedGen C0158683, MONDO:0000447, HP:0006557.
Polycystic kidney disease 3 with or without polycystic liver disease. Also called: POLYCYSTIC KIDNEY DISEASE, ADULT, TYPE III; Polycystic kidney disease 3; Polycystic Kidney and/or Polycystic Liver Disease 3. Identifiers: MedGen C3887964, MONDO:0010916, OMIM 600666.
Biliary tract abnormality. Identifiers: MedGen C0549613, MONDO:0004868, HP:0001080.

Submissions (5):

GeneDx
Classification: Likely pathogenic. Last evaluated: 2026-02-08. Review status: criteria provided, single submitter. Criteria: GeneDx Variant Classification Process June 2021. Collection method: clinical testing. Allele origin: germline. Affected: yes.
Comment: Reported in a patient with autosomal dominant polycystic liver disease (PMID: 33097077); Nonsense variant predicted to result in protein truncation or nonsense mediated decay in a gene for which loss of function is a known mechanism of disease; Not observed at significant frequency in large population cohorts (gnomAD); This variant is associated with the following publications: (PMID: 33097077)

Variantyx, Inc.
Classification: Pathogenic for Polycystic kidney disease 3 with or without polycystic liver disease. Last evaluated: 2025-08-15. Review status: criteria provided, single submitter. Criteria: Variantyx Assertion Criteria 2022. Collection method: clinical testing. Allele origin: germline. Inheritance: Autosomal dominant inheritance. Affected: yes.
Comment: This is a nonsense variant in the GANAB gene (OMIM: 104160). Pathogenic variants in this gene have been associated with autosomal dominant polycystic kidney disease 3. The alteration introduces a premature termination codon in exon 21 out of 24 and is expected to result in loss of function, which is a known disease mechanism for GANAB in this disorder (PMID: 27259053, 33097077) (PVS1). This variant has been reported in at least one affected individual (PMID: 33097077) (PS4_Moderate), while it is absent from control populations (PM2). Based on the current evidence, this variant is classified as pathogenic for autosomal dominant polycystic kidney disease 3.

Fulgent Genetics
Classification: Pathogenic for Polycystic kidney disease 3 with or without polycystic liver disease. Last evaluated: 2024-05-07. Review status: criteria provided, single submitter. Criteria: ACMG Guidelines, 2015. Collection method: clinical testing. Allele origin: germline.

Cambridge Genomics Laboratory, East Genomic Laboratory Hub, NHS Genomic Medicine Service
Classification: Pathogenic for Biliary tract abnormality. Last evaluated: 2019-12-06. Review status: criteria provided, single submitter. Criteria: ACGS Best Practice Guidelines for Variant Classification in Rare Disease 2020. Collection method: clinical testing. Allele origin: germline. Affected: yes. Observed: 1 variant allele.

Laboratory of Gastroenterology and Hepatology, Radboud University Medical Center
Classification: Pathogenic for Autosomal dominant polycystic liver disease. Last evaluated: 2018-01-01. Review status: no assertion criteria provided. Collection method: research. Allele origin: germline. Affected: yes. Not counted in ClinVar's aggregate classification.

Literature cited by the submitters: PubMed 27259053 (cited by Variantyx, Inc.); PubMed 33097077 (cited by Variantyx, Inc.).